The following is an entry in ClinVar:

NM_032444.4(SLX4):c.616G>A (p.Ala206Thr)

Gene: SLX4 (SLX4 structure-specific endonuclease subunit; minus strand). Cytogenetic location: 16p13.3.
Variant type: single nucleotide variant.
Coding change: c.616G>A on transcript NM_032444.4 (MANE Select); coding-DNA position 616, G replaced by A.
Protein change: p.Ala206Thr; replaces alanine 206 with threonine.
Molecular consequence: missense variant.
Genome position (GRCh38, 1-based): chr16:3,606,618, C>T on the plus strand (G>A on the coding strand, the complement: SLX4 is on the minus strand). VCF-style: chr16-3606618-C-T. GRCh37 (hg19) VCF-style: chr16-3656619-C-T.
Other names: short protein forms A206T.
Identifiers: ClinVar variation 1931756 (VCV001931756.2), dbSNP rs913324001, ClinGen allele CA276970198.
Genomic context (GRCh38, chr16:3,606,618, plus strand): 5'-GTCTCAAACGCTCGGGGTCTGCTCTCTTGAACTGCTGCATTCGCTGTAGGACCAATTGTG[C>T]TGTGCGGGGTTTGGAGGGACTTGGCACTGCTGTTGTCAAACAGGAAGGAGGAGGCTGGGA-3'
Protein context (NP_115820.2, residues 196-216): AVPSPSKPRT[Ala206Thr]QLVLQRMQQF

ClinVar aggregate classification (germline): Uncertain significance (1 of 4 stars; one submission).

Conditions:
Fanconi anemia (FA). Also called: Fanconi's anemia. Identifiers: Orphanet 84, MedGen C0015625, MeSH D005199, MONDO:0019391.

Allele frequency attached by ClinVar (database versions not stated): gnomAD exomes 0.00001.

Submission:

Labcorp Genetics (formerly Invitae), Labcorp
Classification: Uncertain significance for Fanconi anemia. Last evaluated: 2022-07-15. Review status: criteria provided, single submitter. Criteria: Invitae Variant Classification Sherloc (09022015). Collection method: clinical testing. Allele origin: germline.
Comment: This sequence change replaces alanine, which is neutral and non-polar, with threonine, which is neutral and polar, at codon 206 of the SLX4 protein (p.Ala206Thr). This variant is present in population databases (no rsID available, gnomAD 0.003%). This variant has not been reported in the literature in individuals affected with SLX4-related conditions. Algorithms developed to predict the effect of missense changes on protein structure and function are either unavailable or do not agree on the potential impact of this missense change (SIFT: "Tolerated"; PolyPhen-2: "Possibly Damaging"; Align-GVGD: "Class C0"). In summary, the available evidence is currently insufficient to determine the role of this variant in disease. Therefore, it has been classified as a Variant of Uncertain Significance.